The following is an entry in ClinVar:

ClinVar aggregate classification (germline): Uncertain significance (1 of 4 stars; one submission).

gnomAD v4.1: 1 of 1,613,694 alleles (0.000062%); highest among the groups gnomAD compares: Non-Finnish European, 0.000085%; no homozygotes.

Submission:

GeneDx
Classification: Uncertain significance. Last evaluated: 2021-04-22. Review status: criteria provided, single submitter. Criteria: GeneDx Variant Classification Process June 2021. Collection method: clinical testing. Allele origin: germline. Affected: yes.
Comment: Not observed in large population cohorts (Lek et al., 2016); In silico analysis supports that this missense variant does not alter protein structure/function; Has not been previously published as pathogenic or benign to our knowledge; Variants in candidate genes are classified as variants of uncertain significance in accordance with ACMG guidelines (Richards et al., 2015)

NM_003601.4(SMARCA5):c.1759C>A (p.Leu587Ile)

Gene: SMARCA5 (SWI/SNF related, matrix associated, actin dependent regulator of chromatin, subfamily a, member 5; plus strand). Cytogenetic location: 4q31.21.
Variant type: single nucleotide variant.
Coding change: c.1759C>A on transcript NM_003601.4 (MANE Select); coding-DNA position 1759, C replaced by A.
Protein change: p.Leu587Ile; replaces leucine 587 with isoleucine.
Molecular consequence: missense variant.
Genome position (GRCh38, 1-based): chr4:143,538,927, C>A. VCF-style: chr4-143538927-C-A. GRCh37 (hg19) VCF-style: chr4-144460080-C-A.
Other names: short protein forms L587I.
Identifiers: ClinVar variation 1313258 (VCV001313258.2), dbSNP rs765362128, ClinGen allele CA358336451.